The following is an entry in ClinVar:

ClinVar aggregate classification (germline): Uncertain significance (1 of 4 stars; one submission).

Conditions:
Inborn genetic diseases. Identifiers: MedGen C0950123, MeSH D030342.

Submission:

Ambry Genetics
Classification: Uncertain significance for Inborn genetic diseases. Last evaluated: 2025-03-29. Review status: criteria provided, single submitter. Criteria: Ambry Variant Classification Scheme 2023. Collection method: clinical testing. Allele origin: germline.
Comment: The p.S901F variant (also known as c.2702C>T), located in coding exon 24 of the ANKRD26 gene, results from a C to T substitution at nucleotide position 2702. The serine at codon 901 is replaced by phenylalanine, an amino acid with highly dissimilar properties. This amino acid position is conserved. In addition, this alteration is predicted to be tolerated by in silico analysis. Based on the available evidence, the clinical significance of this variant remains unclear.

NM_014915.3(ANKRD26):c.2702C>T (p.Ser901Phe)

Gene: ANKRD26 (ankyrin repeat domain containing 26; minus strand). Cytogenetic location: 10p12.1.
Variant type: single nucleotide variant.
Coding change: c.2702C>T on transcript NM_014915.3 (MANE Select); coding-DNA position 2702, C replaced by T.
Protein change: p.Ser901Phe; replaces serine 901 with phenylalanine.
Molecular consequence: missense variant.
Genome position (GRCh38, 1-based): chr10:27,035,748, G>A on the plus strand (C>T on the coding strand, the complement: ANKRD26 is on the minus strand). VCF-style: chr10-27035748-G-A. GRCh37 (hg19) VCF-style: chr10-27324677-G-A.
Other names: c.2699C>T, p.Ser900Phe (NM_001256053.2); short protein forms S900F, S901F.
Identifiers: ClinVar variation 3913394 (VCV003913394.1).
Genomic context (GRCh38, chr10:27,035,748, plus strand): 5'-ATTTCTTCCTGCAACATGCTATTTTTATGCGATAGGTCTTTTTCTTCTTCATGACTATGA[G>A]AATTCTAAGTAAAACAAAGGAAACTTTGAGCTAGCACCCAAGAAAATGACAGATCATGAT-3'
Protein context (NP_055730.2, residues 891-911): MAQKKMNSEN[Ser901Phe]HSHEEEKDLS